The following is an entry in ClinVar:

ClinVar aggregate classification (germline): Benign. Review status: criteria provided, multiple submitters, no conflicts (2 of 4 stars). 7 submissions from 6 submitters: Benign (7). Last evaluated 2026-06-17.

Conditions:
Polyps, multiple and recurrent inflammatory fibroid, gastrointestinal. Identifiers: MedGen C5193005, MONDO:0008285, OMIM 175510.
Hereditary cancer-predisposing syndrome. Also called: Neoplastic Syndromes, Hereditary; Hereditary neoplastic syndrome; Hereditary Cancer Syndrome; Tumor predisposition. Identifiers: Orphanet 140162, MedGen C0027672, MeSH D009386, MONDO:0015356.
Idiopathic hypereosinophilic syndrome (HES). Identifiers: Orphanet 3260, MedGen C0206141, MONDO:0011895, OMIM 607685. Disease mechanism: gain of function.
Gastrointestinal stromal tumor. Also called: Gastrointestinal stromal tumor, somatic; Gastrointestinal stroma tumor. Identifiers: Orphanet 44890, MedGen C0238198, MeSH D046152, MONDO:0011719, OMIM 606764, HP:0100723.

Allele frequency attached by ClinVar (database versions not stated): gnomAD exomes 0.00185; ExAC 0.00228; gnomAD 0.00673 and 0.00722; TOPMed 0.00712; ESP Exome Variant Server 0.00761; 1000 Genomes Project 0.00799; 1000 Genomes Project 30x 0.00874.
gnomAD v4.1: 2,107 of 1,613,952 alleles (0.13%); highest among the groups gnomAD compares: African/African-American, 2.3%; 23 homozygotes.

Submissions (7):

Myriad Genetics, Inc.
Classification: Benign for Polyps, multiple and recurrent inflammatory fibroid, gastrointestinal. Last evaluated: 2026-06-17. Review status: criteria provided, single submitter. Criteria: Myriad Autosomal Dominant, Autosomal Recessive and X-Linked Classification Criteria (2023). Collection method: clinical testing. Allele origin: unknown.
Comment: This variant is considered benign. This variant is a silent/synonymous amino acid change and it is not expected to impact splicing.

Labcorp Genetics (formerly Invitae), Labcorp
Classification: Benign for Gastrointestinal stromal tumor. Last evaluated: 2026-02-03. Review status: criteria provided, single submitter. Criteria: Invitae Variant Classification Sherloc (09022015). Collection method: clinical testing. Allele origin: germline.

ARUP Laboratories, Molecular Genetics and Genomics, ARUP Laboratories
Classification: Benign. Last evaluated: 2025-05-19. Review status: criteria provided, single submitter. Criteria: ARUP Molecular Germline Variant Investigation Process 2024. Collection method: clinical testing. Allele origin: germline.

Ambry Genetics
Classification: Benign for Hereditary cancer-predisposing syndrome. Last evaluated: 2018-11-09. Review status: criteria provided, single submitter. Criteria: Ambry Variant Classification Scheme 2023. Collection method: clinical testing. Allele origin: germline.

Illumina Laboratory Services, Illumina
Classification: Benign for Gastrointestinal stromal tumor. Last evaluated: 2018-01-13. Review status: criteria provided, single submitter. Criteria: ICSL Variant Classification Criteria 13 December 2019. Collection method: clinical testing. Allele origin: germline.
Comment: This variant was observed in the ICSL laboratory as part of a predisposition screen in an ostensibly healthy population. It had not been previously curated by ICSL or reported in the Human Gene Mutation Database (HGMD: prior to June 1st, 2018), and was therefore a candidate for classification through an automated scoring system. Utilizing variant allele frequency, disease prevalence and penetrance estimates, and inheritance mode, an automated score was calculated to assess if this variant is too frequent to cause the disease. Based on the score and internal cut-off values, a variant classified as benign is not then subjected to further curation. The score for this variant resulted in a classification of benign for this disease.

Illumina Laboratory Services, Illumina
Classification: Benign for Idiopathic hypereosinophilic syndrome. Last evaluated: 2018-01-13. Review status: criteria provided, single submitter. Criteria: ICSL Variant Classification Criteria 13 December 2019. Collection method: clinical testing. Allele origin: germline.
Comment: the same text as in the submission from Illumina Laboratory Services, Illumina above.

Breakthrough Genomics
Classification: Benign. Review status: criteria provided, single submitter. Criteria: ACMG Guidelines, 2015. Collection method: not provided. Allele origin: germline. Inheritance: Autosomal dominant inheritance. Affected: yes.

NM_006206.6(PDGFRA):c.1320G>A (p.Thr440=)

Gene: PDGFRA (platelet derived growth factor receptor alpha; plus strand). Cytogenetic location: 4q12.
Variant type: single nucleotide variant.
Coding change: c.1320G>A on transcript NM_006206.6 (MANE Select); coding-DNA position 1320, G replaced by A.
Protein change: p.Thr440=; no amino-acid change (threonine 440 retained).
Molecular consequence: synonymous variant.
Genome position (GRCh38, 1-based): chr4:54,272,476, G>A. VCF-style: chr4-54272476-G-A. GRCh37 (hg19) VCF-style: chr4-55138643-G-A.
Other names: c.1320G>A, p.Thr440= (NM_001347827.2, NM_001347829.2); c.1395G>A, p.Thr465= (NM_001347828.2); c.1359G>A, p.Thr453= (NM_001347830.2).
Identifiers: ClinVar variation 240304 (VCV000240304.23), dbSNP rs56026726, ClinGen allele CA2922520.